The following is an entry in ClinVar:

ClinVar aggregate classification (germline): Uncertain significance (1 of 4 stars; one submission).

Conditions:
Nemaline myopathy 2 (NEM2). Also called: Nemaline myopathy 2, autosomal recessive. Identifiers: MedGen C1850569, MONDO:0009725, OMIM 256030.

Submission:

Labcorp Genetics (formerly Invitae), Labcorp
Classification: Uncertain significance for Nemaline myopathy 2. Last evaluated: 2021-08-19. Review status: criteria provided, single submitter. Criteria: Invitae Variant Classification Sherloc (09022015). Collection method: clinical testing. Allele origin: germline.
Comment: This sequence change replaces serine with proline at codon 7918 of the NEB protein (p.Ser7918Pro). The serine residue is moderately conserved and there is a moderate physicochemical difference between serine and proline. This variant is not present in population databases (ExAC no frequency). This variant has not been reported in the literature in individuals affected with NEB-related conditions. Algorithms developed to predict the effect of missense changes on protein structure and function are either unavailable or do not agree on the potential impact of this missense change (SIFT: "Deleterious"; PolyPhen-2: "Not Available"; Align-GVGD: "Class C0"). In summary, the available evidence is currently insufficient to determine the role of this variant in disease. Therefore, it has been classified as a Variant of Uncertain Significance.

NM_001164508.2(NEB):c.23647T>C (p.Ser7883Pro)

Genes: NEB (nebulin; minus strand), RIF1 (replication timing regulatory factor 1; plus strand). Cytogenetic location: 2q23.3.
Variant type: single nucleotide variant.
Coding change: c.23647T>C on transcript NM_001164508.2 (MANE Select); coding-DNA position 23647, T replaced by C.
Protein change: p.Ser7883Pro; replaces serine 7883 with proline.
Molecular consequence: missense variant.
Genome position (GRCh38, 1-based): chr2:151,506,168, A>G on the plus strand (T>C on the coding strand, the complement: NEB is on the minus strand). VCF-style: chr2-151506168-A-G. GRCh37 (hg19) VCF-style: chr2-152362682-A-G.
Other names: c.23647T>C, p.Ser7883Pro (NM_001164507.2); c.23752T>C, p.Ser7918Pro (NM_001271208.2); c.18544T>C, p.Ser6182Pro (NM_004543.5); short protein forms S7883P, S6182P, S7918P.
Identifiers: ClinVar variation 1966112 (VCV001966112.2), dbSNP rs1323621741, ClinGen allele CA348783578.